The following is an entry in ClinVar:

NM_000038.6(APC):c.190G>C (p.Gly64Arg)

Gene: APC (APC regulator of Wnt signaling pathway; plus strand). Cytogenetic location: 5q22.2.
Variant type: single nucleotide variant.
Coding change: c.190G>C on transcript NM_000038.6 (MANE Select); coding-DNA position 190, G replaced by C.
Protein change: p.Gly64Arg; replaces glycine 64 with arginine.
Molecular consequence: missense variant. On other transcripts: 5 prime UTR variant (4), non-coding transcript variant (2).
Genome position (GRCh38, 1-based): chr5:112,766,380, G>C. VCF-style: chr5-112766380-G-C. GRCh37 (hg19) VCF-style: chr5-112102077-G-C.
Other names: c.190G>C, p.Gly64Arg (NM_001127510.3, NM_001354895.2, NM_001354896.2 and 16 more transcripts); c.220G>C, p.Gly74Arg (NM_001127511.3, NM_001354897.2, NM_001354902.2 and 1 more transcripts); c.115G>C, p.Gly39Arg (NM_001354898.2, NM_001354904.2, NM_001407451.1); c.13G>C, p.Gly5Arg (NM_001354900.2, NM_001354901.2, NM_001354905.2 and 1 more transcripts); c.-846G>C (NM_001354906.2, NM_001407470.1, NM_001407471.1 and 1 more transcripts); short protein forms G5R, G74R, G39R, G64R.
Identifiers: ClinVar variation 3881003 (VCV003881003.1).

ClinVar aggregate classification (germline): Uncertain significance (1 of 4 stars; one submission).

Conditions:
Hereditary cancer-predisposing syndrome. Also called: Tumor predisposition; Neoplastic Syndromes, Hereditary; Hereditary Cancer Syndrome; Hereditary neoplastic syndrome. Identifiers: Orphanet 140162, MedGen C0027672, MeSH D009386, MONDO:0015356.

Submission:

Ambry Genetics
Classification: Uncertain significance for Hereditary cancer-predisposing syndrome. Last evaluated: 2024-12-12. Review status: criteria provided, single submitter. Criteria: Ambry Variant Classification Scheme 2023. Collection method: clinical testing. Allele origin: germline.
Comment: The p.G64R variant (also known as c.190G>C), located in coding exon 2 of the APC gene, results from a G to C substitution at nucleotide position 190. The glycine at codon 64 is replaced by arginine, an amino acid with dissimilar properties. This amino acid position is highly conserved in available vertebrate species. In addition, in silico predictors for this gene do not accurately predict pathogenicity. Missense alterations in APC are not a common cause of disease (Spier I et al. Genet Med. 2024 Feb;26(2):100992). Based on the available evidence, the clinical significance of this variant remains unclear.